The following is an entry in ClinVar:

NM_001197104.2(KMT2A):c.11317C>T (p.Leu3773Phe)

Genes: KMT2A (lysine methyltransferase 2A; plus strand), TTC36-AS1 (TTC36 and KMT2A antisense RNA 1; minus strand). Cytogenetic location: 11q23.3.
Variant type: single nucleotide variant.
Coding change: c.11317C>T on transcript NM_001197104.2 (MANE Select); coding-DNA position 11317, C replaced by T.
Protein change: p.Leu3773Phe; replaces leucine 3773 with phenylalanine.
Molecular consequence: missense variant.
Genome position (GRCh38, 1-based): chr11:118,519,788, C>T. VCF-style: chr11-118519788-C-T. GRCh37 (hg19) VCF-style: chr11-118390503-C-T.
Other names: c.11308C>T, p.Leu3770Phe (NM_005933.4); c.11317C>T (NM_001197104.1); short protein forms L3773F, L3770F.
Identifiers: ClinVar variation 445628 (VCV000445628.3), dbSNP rs1555052896, ClinGen allele CA382833187.

ClinVar aggregate classification (germline): Uncertain significance. Review status: criteria provided, multiple submitters, no conflicts (2 of 4 stars). 2 submissions from 2 submitters: Uncertain significance (2). Last evaluated 2025-09-25.

Conditions:
KMT2A-related disorder. Also called: KMT2A-related condition.

Allele frequency attached by ClinVar (database versions not stated): gnomAD exomes below 0.00001.
gnomAD v4.1: 3 of 1,610,618 alleles (0.00019%); highest among the groups gnomAD compares: Non-Finnish European, 0.00025%; no homozygotes.

Submissions (2):

PreventionGenetics, part of Exact Sciences
Classification: Uncertain significance for KMT2A-related condition. Last evaluated: 2025-09-25. Review status: criteria provided, single submitter. Criteria: ACMG Guidelines, 2015. Collection method: clinical testing. Allele origin: germline.
Comment: The KMT2A c.11317C>T variant is predicted to result in the amino acid substitution p.Leu3773Phe. To our knowledge, this variant has not been reported in the literature or in a large population database (gnomAD), indicating this variant is rare. At this time, the clinical significance of this variant is uncertain due to the absence of conclusive functional and genetic evidence.

Center for Pediatric Genomic Medicine, Children's Mercy Hospital and Clinics
Classification: Uncertain significance. Last evaluated: 2017-09-05. Review status: criteria provided, single submitter. Criteria: ACMG Guidelines, 2015. Collection method: clinical testing. Allele origin: germline.